The following is an entry in ClinVar:

NM_005045.4(RELN):c.6442T>G (p.Cys2148Gly)

Gene: RELN (reelin; minus strand). Cytogenetic location: 7q22.1.
Variant type: single nucleotide variant.
Coding change: c.6442T>G on transcript NM_005045.4 (MANE Select); coding-DNA position 6442, T replaced by G.
Protein change: p.Cys2148Gly; replaces cysteine 2148 with glycine.
Molecular consequence: missense variant.
Genome position (GRCh38, 1-based): chr7:103,545,205, A>C on the plus strand (T>G on the coding strand, the complement: RELN is on the minus strand). VCF-style: chr7-103545205-A-C. GRCh37 (hg19) VCF-style: chr7-103185652-A-C.
Other names: c.6442T>G, p.Cys2148Gly (NM_173054.3); short protein forms C2148G.
Identifiers: ClinVar variation 4535329 (VCV004535329.6).
Genomic context (GRCh38, chr7:103,545,205, plus strand): 5'-AATCAGGATTTTTGGTGCTTATTTTACAGGTTGGACCTGAGTAGCCAGGGTCACATATAC[A>C]TTTGGTTCCATTGATACAGCTCCCCTGTCCATTACACATCTCCTCACACTGGGGACCGAT-3'
Protein context (NP_005036.2, residues 2138-2158): GQGSCINGTK[Cys2148Gly]ICDPGYSGPT

ClinVar aggregate classification (germline): Uncertain significance (1 of 4 stars; one submission).

Submission:

CeGaT Center for Human Genetics Tuebingen
Classification: Uncertain significance. Last evaluated: 2025-11-01. Review status: criteria provided, single submitter. Criteria: CeGaT Center For Human Genetics Tuebingen Variant Classification Criteria Version 2. Collection method: clinical testing. Allele origin: germline. Affected: yes. Observed: 1 variant allele.
Comment: RELN: PM2, PP3